The following is an entry in ClinVar:

ClinVar aggregate classification (germline): Uncertain significance. Review status: criteria provided, multiple submitters, no conflicts (2 of 4 stars). 2 submissions from 2 submitters: Uncertain significance (2). Last evaluated 2022-11-01.

Allele frequency attached by ClinVar (database versions not stated): ExAC 0.00002; gnomAD exomes 0.00004; TOPMed 0.00005; gnomAD 0.00006; 1000 Genomes Project 30x 0.00016; 1000 Genomes Project 0.00020.
gnomAD v4.1: 65 of 1,614,112 alleles (0.004%); highest among the groups gnomAD compares: African/African-American, 0.0093%; no homozygotes.

Submissions (2):

GeneDx
Classification: Uncertain significance. Last evaluated: 2022-11-01. Review status: criteria provided, single submitter. Criteria: GeneDx Variant Classification Process June 2021. Collection method: clinical testing. Allele origin: germline. Affected: yes.
Comment: Not observed at significant frequency in large population cohorts (gnomAD); In silico analysis supports that this missense variant has a deleterious effect on protein structure/function; Has not been previously published as pathogenic or benign to our knowledge

Blueprint Genetics
Classification: Uncertain significance. Last evaluated: 2019-07-04. Review status: criteria provided, single submitter. Criteria: ACMG Guidelines, 2015. Collection method: clinical testing. Allele origin: germline.

NM_005006.7(NDUFS1):c.473G>A (p.Arg158His)

Gene: NDUFS1 (NADH:ubiquinone oxidoreductase core subunit S1; minus strand). Cytogenetic location: 2q33.3.
Variant type: single nucleotide variant.
Coding change: c.473G>A on transcript NM_005006.7 (MANE Select); coding-DNA position 473, G replaced by A.
Protein change: p.Arg158His; replaces arginine 158 with histidine.
Molecular consequence: missense variant.
Genome position (GRCh38, 1-based): chr2:206,147,609, C>T on the plus strand (G>A on the coding strand, the complement: NDUFS1 is on the minus strand). VCF-style: chr2-206147609-C-T. GRCh37 (hg19) VCF-style: chr2-207012333-C-T.
Other names: c.365G>A, p.Arg122His (NM_001199981.2); c.140G>A, p.Arg47His (NM_001199982.2); c.302G>A, p.Arg101His (NM_001199983.2); c.515G>A, p.Arg172His (NM_001199984.2); short protein forms R101H, R122H, R158H, R172H, R47H.
Identifiers: ClinVar variation 2500575 (VCV002500575.2), dbSNP rs559147044, ClinGen allele CA2070764.